The following is an entry in ClinVar:

NM_006440.5(TXNRD2):c.385G>A (p.Ala129Thr)

Gene: TXNRD2 (thioredoxin reductase 2; minus strand). Cytogenetic location: 22q11.21.
Variant type: single nucleotide variant.
Coding change: c.385G>A on transcript NM_006440.5 (MANE Select); coding-DNA position 385, G replaced by A.
Protein change: p.Ala129Thr; replaces alanine 129 with threonine.
Molecular consequence: missense variant. On other transcripts: non-coding transcript variant (1).
Genome position (GRCh38, 1-based): chr22:19,918,207, C>T on the plus strand (G>A on the coding strand, the complement: TXNRD2 is on the minus strand). VCF-style: chr22-19918207-C-T. GRCh37 (hg19) VCF-style: chr22-19905730-C-T.
Other names: c.385G>A, p.Ala129Thr (NM_001282512.3); c.382G>A, p.Ala128Thr (NM_001352300.2); c.295G>A, p.Ala99Thr (NM_001352301.2); c.97G>A, p.Ala33Thr (NM_001352302.2); c.289G>A, p.Ala97Thr (NM_001352303.2); short protein forms A129T, A99T, A128T, A33T, A97T.
Identifiers: ClinVar variation 3014509 (VCV003014509.3), dbSNP rs1940724124, ClinGen allele CA410693589.
Genomic context (GRCh38, chr22:19,918,207, plus strand): 5'-CCTGAAGCTGGACACGGTGGCCCCAGTTCAAGGATTTCACGTGATTTTGAACAGCTTCTG[C>T]CATCTTCCTCCTGTGAAGATACGAAACAAAATGTAAAATCCACAACACAGGTGTTAGCTG-3'
Protein context (NP_006431.2, residues 119-139): QPVPHDWRKM[Ala129Thr]EAVQNHVKSL

ClinVar aggregate classification (germline): Uncertain significance (1 of 4 stars; one submission).

Conditions:
Primary dilated cardiomyopathy (DCM). Also called: Dilated Cardiomyopathy. Identifiers: Orphanet 217604, MedGen C0007193, MeSH D002311, MONDO:0005021, HP:0001644. Inheritance: Various modes of inheritance.

Allele frequency attached by ClinVar (database versions not stated): gnomAD exomes below 0.00001; TOPMed 0.00001.

Submission:

Labcorp Genetics (formerly Invitae), Labcorp
Classification: Uncertain significance for Primary dilated cardiomyopathy. Last evaluated: 2022-11-12. Review status: criteria provided, single submitter. Criteria: Invitae Variant Classification Sherloc (09022015). Collection method: clinical testing. Allele origin: germline.
Comment: This sequence change replaces alanine, which is neutral and non-polar, with threonine, which is neutral and polar, at codon 129 of the TXNRD2 protein (p.Ala129Thr). This variant is not present in population databases (gnomAD no frequency). This variant has not been reported in the literature in individuals affected with TXNRD2-related conditions. Advanced modeling of protein sequence and biophysical properties (such as structural, functional, and spatial information, amino acid conservation, physicochemical variation, residue mobility, and thermodynamic stability) performed at Invitae indicates that this missense variant is not expected to disrupt TXNRD2 protein function. In summary, the available evidence is currently insufficient to determine the role of this variant in disease. Therefore, it has been classified as a Variant of Uncertain Significance.